The following is an entry in ClinVar:

ClinVar aggregate classification (germline): Uncertain significance (1 of 4 stars; one submission).

Submission:

Labcorp Genetics (formerly Invitae), Labcorp
Classification: Uncertain significance. Last evaluated: 2025-05-30. Review status: criteria provided, single submitter. Criteria: Invitae Variant Classification Sherloc (09022015). Collection method: clinical testing. Allele origin: germline.
Comment: This sequence change replaces threonine, which is neutral and polar, with alanine, which is neutral and non-polar, at codon 345 of the PARS2 protein (p.Thr345Ala). This variant is not present in population databases (gnomAD no frequency). This variant has not been reported in the literature in individuals affected with PARS2-related conditions. An algorithm developed to predict the effect of missense changes on protein structure and function (PolyPhen-2) suggests that this variant is likely to be disruptive. In summary, the available evidence is currently insufficient to determine the role of this variant in disease. Therefore, it has been classified as a Variant of Uncertain Significance.

NM_152268.4(PARS2):c.1033A>G (p.Thr345Ala)

Gene: PARS2 (prolyl-tRNA synthetase 2, mitochondrial; minus strand). Cytogenetic location: 1p32.3.
Variant type: single nucleotide variant.
Coding change: c.1033A>G on transcript NM_152268.4 (MANE Select); coding-DNA position 1033, A replaced by G.
Protein change: p.Thr345Ala; replaces threonine 345 with alanine.
Molecular consequence: missense variant.
Genome position (GRCh38, 1-based): chr1:54,758,129, T>C on the plus strand (A>G on the coding strand, the complement: PARS2 is on the minus strand). VCF-style: chr1-54758129-T-C. GRCh37 (hg19) VCF-style: chr1-55223802-T-C.
Other names: short protein forms T345A.
Identifiers: ClinVar variation 4777300 (VCV004777300.1).